The following is an entry in ClinVar:

NM_001690.4(ATP6V1A):c.427-19C>G

Gene: ATP6V1A (ATPase H+ transporting V1 subunit A; plus strand). Cytogenetic location: 3q13.31.
Variant type: single nucleotide variant.
Coding change: c.427-19C>G on transcript NM_001690.4 (MANE Select); 19 bases into the intron before coding-DNA position 427, C replaced by G.
Molecular consequence: intron variant.
Genome position (GRCh38, 1-based): chr3:113,784,677, C>G. VCF-style: chr3-113784677-C-G. GRCh37 (hg19) VCF-style: chr3-113503524-C-G.
Identifiers: ClinVar variation 4848870 (VCV004848870.1).

ClinVar aggregate classification (germline): Uncertain significance (1 of 4 stars; one submission).

gnomAD v4.1: 1 of 1,611,082 alleles (0.000062%); highest among the groups gnomAD compares: African/African-American, 0.0013%; no homozygotes.

Submission:

Women's Health and Genetics/Laboratory Corporation of America, LabCorp
Classification: Uncertain significance. Last evaluated: 2026-04-06. Review status: criteria provided, single submitter. Criteria: LabCorp Variant Classification Summary - May 2015. Collection method: clinical testing. Allele origin: germline.
Comment: Variant summary: ATP6V1A c.427-19C>G alters a non-conserved nucleotide located at a position not widely known to affect splicing. Several computational tools predict a significant impact on normal splicing: three predict the variant strengthens a cryptic 3' acceptor site, while two predict the variant weakens the canonical 3' acceptor site. However, these predictions have yet to be confirmed by functional studies. The variant allele was found at a frequency of 6.2e-07 in 1604098 control chromosomes (gnomAD). The available data on variant occurrences in the general population are insufficient to allow any conclusion about variant significance. To our knowledge, no occurrence of c.427-19C>G in individuals affected with ATP6V1A-related conditions and no experimental evidence demonstrating its impact on protein function have been reported. No submitters have cited clinical-significance assessments for this variant to ClinVar. Based on the evidence outlined above, the variant was classified as uncertain significance.